The following is an entry in ClinVar:

NM_213655.5(WNK1):c.2568C>G (p.His856Gln)

Gene: WNK1 (WNK lysine deficient protein kinase 1; plus strand). Cytogenetic location: 12p13.33.
Variant type: single nucleotide variant.
Coding change: c.2568C>G on transcript NM_213655.5 (MANE Plus Clinical); coding-DNA position 2568, C replaced by G.
Protein change: p.His856Gln; replaces histidine 856 with glutamine.
Molecular consequence: missense variant. On other transcripts: intron variant (2).
Genome position (GRCh38, 1-based): chr12:868,039, C>G. VCF-style: chr12-868039-C-G. GRCh37 (hg19) VCF-style: chr12-977205-C-G.
Other names: c.2313C>G (NM_001184985.1); c.2313C>G, p.His771Gln (NM_001184985.2); c.2140-3226C>G (NM_018979.4, NM_014823.3); short protein forms H771Q, H856Q.
Identifiers: ClinVar variation 851762 (VCV000851762.12), dbSNP rs767616683, ClinGen allele CA6382199.

ClinVar aggregate classification (germline): Uncertain significance. Review status: criteria provided, multiple submitters, no conflicts (2 of 4 stars). 4 submissions from 4 submitters: Uncertain significance (4). Last evaluated 2026-06-29.

Conditions:
WNK1-related disorder. Also called: WNK1-related condition.
Pseudohypoaldosteronism type 2C (PHA2C). Also called: Pseudohypoaldosteronism Type IIC. Identifiers: Orphanet 757, Orphanet 88940, MedGen C1840391, MONDO:0013778, OMIM 614492.
Neuropathy, hereditary sensory and autonomic, type 2A (HSAN2A). Also called: ACROOSTEOLYSIS, GIACCAI TYPE; ACROOSTEOLYSIS, NEUROGENIC; MORVAN DISEASE; WNK1-Related HSAN2 (HSAN2A); NEUROPATHY, CONGENITAL SENSORY; NEUROPATHY, HEREDITARY SENSORY RADICULAR, AUTOSOMAL RECESSIVE. Identifiers: Orphanet 970, MedGen C2752089, MONDO:0024309, OMIM 201300.

Allele frequency attached by ClinVar (database versions not stated): TOPMed 0.00003.
gnomAD v4.1: 29 of 1,613,882 alleles (0.0018%); highest among the groups gnomAD compares: Non-Finnish European, 0.0023%; no homozygotes.

Submissions (4):

PreventionGenetics, part of Exact Sciences
Classification: Uncertain significance for WNK1-related condition. Last evaluated: 2026-06-29. Review status: criteria provided, single submitter. Criteria: ACMG Guidelines, 2015. Collection method: clinical testing. Allele origin: germline.
Comment: The WNK1 c.2313C>G variant is predicted to result in the amino acid substitution p.His771Gln. To our knowledge, this variant has not been reported in the literature. This variant is reported in 0.0031% of alleles in individuals of European (Non-Finnish) descent in gnomAD. At this time, the clinical significance of this variant is uncertain due to the absence of conclusive functional and genetic evidence.

Labcorp Genetics (formerly Invitae), Labcorp
Classification: Uncertain significance for Neuropathy, hereditary sensory and autonomic, type 2A; Pseudohypoaldosteronism type 2C. Last evaluated: 2024-10-28. Review status: criteria provided, single submitter. Criteria: Invitae Variant Classification Sherloc (09022015). Collection method: clinical testing. Allele origin: germline.
Comment: This sequence change replaces histidine, which is basic and polar, with glutamine, which is neutral and polar, at codon 856 of the WNK1 protein (p.His856Gln). This variant is present in population databases (rs767616683, gnomAD 0.003%). This variant has not been reported in the literature in individuals affected with WNK1-related conditions. ClinVar contains an entry for this variant (Variation ID: 851762). Invitae Evidence Modeling of protein sequence and biophysical properties (such as structural, functional, and spatial information, amino acid conservation, physicochemical variation, residue mobility, and thermodynamic stability) indicates that this missense variant is not expected to disrupt WNK1 protein function with a negative predictive value of 95%. In summary, the available evidence is currently insufficient to determine the role of this variant in disease. Therefore, it has been classified as a Variant of Uncertain Significance.

Department of Pathology and Laboratory Medicine, Sinai Health System
Classification: Uncertain significance for Neuropathy, hereditary sensory and autonomic, type 2A; Pseudohypoaldosteronism type 2C. Last evaluated: 2023-06-01. Review status: criteria provided, single submitter. Criteria: ACMG Guidelines, 2015. Collection method: research. Allele origin: germline.

Fulgent Genetics
Classification: Uncertain significance for Neuropathy, hereditary sensory and autonomic, type 2A; Pseudohypoaldosteronism type 2C. Last evaluated: 2022-01-07. Review status: criteria provided, single submitter. Criteria: ACMG Guidelines, 2015. Collection method: clinical testing. Allele origin: unknown.